The following is an entry in ClinVar:

ClinVar aggregate classification (germline): Likely pathogenic (0 of 4 stars; one submission).

Conditions:
Congenital lactase deficiency. Also called: ALACTASIA, CONGENITAL; DISACCHARIDE INTOLERANCE II. Identifiers: Orphanet 53690, MedGen C0268179, MONDO:0009115, OMIM 223000.

Submission:

Juha Muilu Group; Institute for Molecular Medicine Finland (FIMM)
Classification: Likely pathogenic for Congenital lactase deficiency. Review status: no assertion criteria provided. Collection method: not provided. Allele origin: unknown.
Comment: FinDis database variant: This variant was not found or characterized by our laboratory, data were collected from public sources: see reference
ClinVar note: Converted during submission from probable-pathogenic to Likely pathogenic.

NM_002299.4(LCT):c.4834G>T (p.Glu1612Ter)

Gene: LCT (lactase; minus strand). Cytogenetic location: 2q21.3.
Variant type: single nucleotide variant.
Coding change: c.4834G>T on transcript NM_002299.4 (MANE Select); coding-DNA position 4834, G replaced by T.
Protein change: p.Glu1612Ter; replaces glutamic acid 1612 with a stop codon.
Molecular consequence: nonsense.
Genome position (GRCh38, 1-based): chr2:135,800,639, C>A on the plus strand (G>T on the coding strand, the complement: LCT is on the minus strand). VCF-style: chr2-135800639-C-A. GRCh37 (hg19) VCF-style: chr2-136558209-C-A.
Other names: c.4834G>T (LRG_338t1); short protein forms E1612*.
Identifiers: ClinVar variation 56390 (VCV000056390.2), dbSNP rs386833835, ClinGen allele CA144318.